The following is an entry in ClinVar:

ClinVar aggregate classification (germline): Uncertain significance (1 of 4 stars; one submission).

Conditions:
Cornelia de Lange syndrome 3 (CDLS3). Also called: SMC3-Related Cornelia de Lange Syndrome; CORNELIA DE LANGE SYNDROME 3 WITH OR WITHOUT MIDLINE BRAIN DEFECTS. Identifiers: Orphanet 199, MedGen C1853099, MONDO:0012555, OMIM 610759.

Submission:

Labcorp Genetics (formerly Invitae), Labcorp
Classification: Uncertain significance for Cornelia de Lange syndrome 3. Last evaluated: 2022-09-27. Review status: criteria provided, single submitter. Criteria: Invitae Variant Classification Sherloc (09022015). Collection method: clinical testing. Allele origin: germline.
Comment: A copy number gain of the genomic region encompassing the full coding sequence of the SMC3 gene has been identified. The boundaries of this event are unknown as they extend beyond the assayed region for this gene and therefore may encompass additional genes. As the precise location of this event is unknown, it may be in tandem or it may be located elsewhere in the genome. This variant has not been reported in the literature in individuals affected with SMC3-related conditions. Experimental studies and prediction algorithms are not available or were not evaluated, and the functional significance of this variant is currently unknown. In summary, the available evidence is currently insufficient to determine the role of this variant in disease. Therefore, it has been classified as a Variant of Uncertain Significance.

NC_000010.10:g.(?_111860412)_(112839579_?)dup

Genes: ADRA2A (adrenoceptor alpha 2A; plus strand), ADD3 (adducin 3; plus strand), BBIP1 (BBSome interacting protein 1; minus strand), DUSP5 (dual specificity phosphatase 5; plus strand), MXI1 (MAX interactor 1, dimerization protein; plus strand) and 5 more. Cytogenetic location: 10q25.1-25.2.
Variant type: Duplication.
Identifiers: ClinVar variation 2425354 (VCV002425354.5).